The following is an entry in ClinVar:

NM_000132.4(F8):c.2453C>T (p.Thr818Ile)

Gene: F8 (coagulation factor VIII; minus strand). Cytogenetic location: Xq28.
Variant type: single nucleotide variant.
Coding change: c.2453C>T on transcript NM_000132.4 (MANE Select); coding-DNA position 2453, C replaced by T.
Protein change: p.Thr818Ile; replaces threonine 818 with isoleucine.
Molecular consequence: missense variant.
Genome position (GRCh38, 1-based): chrX:154,931,337, G>A on the plus strand (C>T on the coding strand, the complement: F8 is on the minus strand). VCF-style: chrX-154931337-G-A. GRCh37 (hg19) VCF-style: chrX-154159612-G-A.
Other names: NM_000132.4(F8):c.2453C>T; short protein forms T818I.
Identifiers: ClinVar variation 618115 (VCV000618115.12), dbSNP rs142274278, ClinGen allele CA10568323.

ClinVar aggregate classification (germline): Benign. Review status: reviewed by expert panel (3 of 4 stars). 5 submissions from 5 submitters: Benign (1). 4 of the submissions do not count toward it. Last evaluated 2024-09-30.

Conditions:
F8-related disorder. Also called: F8-related condition.
Hereditary factor VIII deficiency disease (HEMA). Also called: AUTOSOMAL HEMOPHILIA A; Hemophilia A; HEMOPHILIA, CLASSIC; Hemophilia A, congenital; HEM A; Factor 8 deficiency, congenital. Identifiers: Orphanet 98878, MedGen C0019069, MONDO:0010602, OMIM 306700.

Allele frequency attached by ClinVar (database versions not stated): gnomAD exomes 0.00008 and 0.00027; ExAC 0.00031; gnomAD 0.00078 and 0.00080; ESP Exome Variant Server 0.00085; TOPMed 0.00104; 1000 Genomes Project 30x 0.00166; 1000 Genomes Project 0.00185.
gnomAD v4.1: 179 of 1,208,149 alleles (0.015%); highest among the groups gnomAD compares: African/African-American, 0.27%; no homozygotes.

Submissions (5):

ClinGen Coagulation Factor Deficiency Variant Curation Expert Panel, Clingen
Classification: Benign for Hereditary factor VIII deficiency disease. Last evaluated: 2024-09-30. Review status: reviewed by expert panel. Criteria: ClinGen CoagFactor ACMG Specifications F8 V1.0.0. Collection method: curation. Allele origin: germline. Inheritance: X-linked inheritance.
Comment: The c.2453C>T (p.Thr818Ile) variant is reported at an MAF of 0.003158 (60/19000 alleles) in the African/African American population in gnomAD v2.1.1, with 18 hemizygotes, meeting BA1 criteria of MAF > 0.000333. It is not reported in patients with Hemophilia A, to the best of our knowledge. In summary, this variant meets criteria to be classified as benign. ACMG/AMP criteria applied, as specified by the Coagulation Factor Deficiency Variant Curation Expert Panel for F8: BA1.

PreventionGenetics, part of Exact Sciences
Classification: Likely benign for F8-related condition. Last evaluated: 2026-03-22. Review status: criteria provided, single submitter. Criteria: ACMG Guidelines, 2015. Collection method: clinical testing. Allele origin: germline. Not counted in ClinVar's aggregate classification.
Comment: This variant is classified as likely benign based on ACMG/AMP sequence variant interpretation guidelines (Richards et al. 2015 PMID: 25741868, with internal and published modifications).

Women's Health and Genetics/Laboratory Corporation of America, LabCorp
Classification: Uncertain significance. Last evaluated: 2026-02-19. Review status: criteria provided, single submitter. Criteria: LabCorp Variant Classification Summary - May 2015. Collection method: clinical testing. Allele origin: germline. Not counted in ClinVar's aggregate classification.
Comment: Variant summary: F8 c.2453C>T (p.Thr818Ile) results in a non-conservative amino acid change in the encoded protein sequence. Algorithms developed to predict the effect of missense changes on protein structure and function are either unavailable or do not agree on the potential impact of this missense change. The variant allele was found at a frequency of 0.00027 in 183116 control chromosomes. This frequency is not significantly higher than estimated for disease-causing variants in F8, allowing no conclusion about variant significance. To our knowledge, no occurrence of c.2453C>T in individuals affected with F8-related conditions and no experimental evidence demonstrating its impact on protein function have been reported. ClinVar contains an entry for this variant (Variation ID: 618115). Based on the evidence outlined above, the variant was classified as uncertain significance.

ARUP Laboratories, Molecular Genetics and Genomics, ARUP Laboratories
Classification: Benign. Last evaluated: 2018-05-20. Review status: criteria provided, single submitter. Criteria: ARUP Molecular Germline Variant Investigation Process. Collection method: clinical testing. Allele origin: germline. Not counted in ClinVar's aggregate classification.

Breakthrough Genomics
Classification: Benign. Review status: criteria provided, single submitter. Criteria: ACMG Guidelines, 2015. Collection method: not provided. Allele origin: germline. Inheritance: X-linked inheritance. Affected: yes. Not counted in ClinVar's aggregate classification.